The following is an entry in ClinVar:

ClinVar aggregate classification (germline): Pathogenic. Review status: criteria provided, multiple submitters, no conflicts (2 of 4 stars). 3 submissions from 3 submitters: Pathogenic (3). Last evaluated 2022-03-15.

Conditions:
Hereditary cancer-predisposing syndrome. Also called: Hereditary neoplastic syndrome; Tumor predisposition; Neoplastic Syndromes, Hereditary; Hereditary Cancer Syndrome. Identifiers: Orphanet 140162, MedGen C0027672, MeSH D009386, MONDO:0015356.
Neurofibromatosis, type 1 (NF1). Also called: Neurofibromatosis, type I; NEUROFIBROMATOSIS, TYPE I, SOMATIC; Peripheral type neurofibromatosis; VON RECKLINGHAUSEN DISEASE. Identifiers: Orphanet 636, MedGen C0027831, MONDO:0018975, OMIM 162200. Disease mechanism: loss of function.

Submissions (3):

Genome-Nilou Lab
Classification: Pathogenic for Neurofibromatosis, type 1. Last evaluated: 2022-03-15. Review status: criteria provided, single submitter. Criteria: ACMG Guidelines, 2015. Collection method: clinical testing. Allele origin: germline. Affected: no.

Labcorp Genetics (formerly Invitae), Labcorp
Classification: Pathogenic for Neurofibromatosis, type 1. Last evaluated: 2018-04-25. Review status: criteria provided, single submitter. Criteria: Invitae Variant Classification Sherloc (09022015). Collection method: clinical testing. Allele origin: germline.
Comment: For these reasons, this variant has been classified as Pathogenic. Loss-of-function variants in NF1 are known to be pathogenic (PMID: 10712197, 23913538). This variant has been reported in an individual in the Leiden Open-source Variation Database (PMID: 21520333). ClinVar contains an entry for this variant (Variation ID: 428985). This variant is not present in population databases (ExAC no frequency). This sequence change creates a premature translational stop signal (p.His407Thrfs*5) in the NF1 gene. It is expected to result in an absent or disrupted protein product.

Ambry Genetics
Classification: Pathogenic for Hereditary cancer-predisposing syndrome. Last evaluated: 2016-02-16. Review status: criteria provided, single submitter. Criteria: Ambry Autosomal Dominant and X-Linked criteria (10/2015). Collection method: clinical testing. Allele origin: germline. Observed: 1 variant allele.
Comment: The c.1218delT pathogenic mutation, located in coding exon 11 of the NF1 gene, results from a deletion of one nucleotide at nucleotide position 1218, causing a translational frameshift with a predicted alternate stop codon. Since frameshifts are typically deleterious in nature, this alteration is interpreted as a disease-causing mutation (ACMG Recommendations for Standards for Interpretation and Reporting of Sequence Variations. Revision 2007. Genet Med. 2008;10:294).

Literature cited by the submitters: PubMed 10712197 (cited by Labcorp Genetics (formerly Invitae), Labcorp); PubMed 23913538 (cited by Labcorp Genetics (formerly Invitae), Labcorp); PubMed 21520333 (cited by Labcorp Genetics (formerly Invitae), Labcorp).

NM_001042492.3(NF1):c.1218del (p.His407fs)

Gene: NF1 (neurofibromin 1; plus strand). Cytogenetic location: 17q11.2.
Variant type: Deletion.
Coding change: c.1218del on transcript NM_001042492.3 (MANE Select); coding-DNA position 1218, one base deleted (T; older notation c.1218delT).
Protein change: p.His407fs; shifts the reading frame from histidine 407.
Molecular consequence: frameshift variant.
Genome position (GRCh38, 1-based): chr17:31,201,443, T deleted; the last of 3 consecutive T bases (chr17:31,201,441-31,201,443); deleting any one gives the same sequence. VCF-style (leftmost placement, unchanged base first): chr17-31201440-AT-A. GRCh37 (hg19) VCF-style: chr17-29528458-AT-A.
Other names: c.1218delT (NM_000267.3); c.1218delT, p.His407Thrfs (NM_000267.4); c.1218del, p.His407fs (NM_001128147.3); short protein forms H407fs.
Identifiers: ClinVar variation 428985 (VCV000428985.9), dbSNP rs1131691106, ClinGen allele CA645369717.